The following is an entry in ClinVar:

ClinVar aggregate classification (germline): Likely pathogenic (1 of 4 stars; one submission).

Conditions:
Neurodevelopmental disorder with hypotonia, language delay, and skeletal defects with or without seizures (NEDHLSS). Identifiers: MedGen C5774213, MONDO:0859286, OMIM 620029.

Submission:

Clinical Genomics Laboratory, Washington University in St. Louis
Classification: Likely pathogenic for Neurodevelopmental disorder with hypotonia, language delay, and skeletal defects with or without seizures. Last evaluated: 2024-08-08. Review status: criteria provided, single submitter. Criteria: ACMG Guidelines, 2015. Collection method: clinical testing. Allele origin: germline. Affected: yes.
Comment: The CACNA1C c.4495del (p.Arg1499Glufs*20) variant, to our knowledge, has not been reported in the medical literature and is absent from the general population (gnomAD v.2.1.1), indicating it is not a common variant. This variant causes a frameshift by deleting a single nucleotide, leading to a premature termination codon, which is predicted to lead to nonsense mediated decay. Based on available information and the ACMG/AMP guidelines for variant interpretation (Richards S et al., PMID: 25741868), this variant is classified as likely pathogenic.

NM_000719.7(CACNA1C):c.4495del (p.Arg1499fs)

Gene: CACNA1C (calcium voltage-gated channel subunit alpha1 C; plus strand). Cytogenetic location: 12p13.33.
Variant type: Deletion.
Coding change: c.4495del on transcript NM_000719.7 (MANE Select); coding-DNA position 4495, one base deleted (A; older notation c.4495delA).
Protein change: p.Arg1499fs; shifts the reading frame from arginine 1499.
Molecular consequence: frameshift variant.
Genome position (GRCh38, 1-based): chr12:2,665,677, A deleted; the last of 4 consecutive A bases (chr12:2,665,674-2,665,677); deleting any one gives the same sequence. VCF-style (leftmost placement, unchanged base first): chr12-2665673-TA-T. GRCh37 (hg19) VCF-style: chr12-2774839-TA-T.
Other names: c.4639del, p.Arg1547fs (NM_001129827.2, NM_199460.4); c.4561del, p.Arg1521fs (NM_001129829.2); c.4495del, p.Arg1499fs (NM_001129830.3, NM_001129833.2, NM_001129834.2 and 7 more transcripts); c.4579del, p.Arg1527fs (NM_001129831.2); c.4555del, p.Arg1519fs (NM_001129832.2); c.4546del, p.Arg1516fs (NM_001129836.2); c.4462del, p.Arg1488fs (NM_001129837.2, NM_001129838.2, NM_001129846.2 and 1 more transcripts); c.4456del, p.Arg1486fs (NM_001129839.2); and 1 more; short protein forms R1486fs, R1488fs, R1496fs, R1499fs, R1516fs, R1519fs, R1521fs, R1527fs.
Identifiers: ClinVar variation 3600410 (VCV003600410.1).